The following is an entry in ClinVar:

ClinVar aggregate classification (germline): Benign/Likely benign. Review status: criteria provided, multiple submitters, no conflicts (2 of 4 stars). 3 submissions from 3 submitters: Benign (1); Likely benign (1). 1 of the submissions does not count toward it. Last evaluated 2026-01-08.

Conditions:
IRF2BP2-related disorder. Also called: IRF2BP2-related condition.

Allele frequency attached by ClinVar (database versions not stated): TOPMed 0.00003; ESP Exome Variant Server 0.00008; 1000 Genomes Project 0.00020; gnomAD exomes 0.00028; 1000 Genomes Project 30x 0.00047; ExAC 0.00051.
gnomAD v4.1: 215 of 1,607,118 alleles (0.013%); highest among the groups gnomAD compares: South Asian, 0.2%; 2 homozygotes.

Submissions (3):

Labcorp Genetics (formerly Invitae), Labcorp
Classification: Benign. Last evaluated: 2026-01-08. Review status: criteria provided, single submitter. Criteria: Invitae Variant Classification Sherloc (09022015). Collection method: clinical testing. Allele origin: germline.

Blueprint Genetics
Classification: Likely benign. Last evaluated: 2024-09-23. Review status: criteria provided, single submitter. Criteria: ACMG Guidelines, 2015. Collection method: clinical testing. Allele origin: germline.

PreventionGenetics, part of Exact Sciences
Classification: Likely benign for IRF2BP2-related condition. Last evaluated: 2024-06-25. Review status: no assertion criteria provided. Collection method: clinical testing. Allele origin: germline. Not counted in ClinVar's aggregate classification.
Comment: This variant is classified as likely benign based on ACMG/AMP sequence variant interpretation guidelines (Richards et al. 2015 PMID: 25741868, with internal and published modifications).

NM_182972.3(IRF2BP2):c.912C>A (p.Thr304=)

Gene: IRF2BP2 (interferon regulatory factor 2 binding protein 2; minus strand). Cytogenetic location: 1q42.3.
Variant type: single nucleotide variant.
Coding change: c.912C>A on transcript NM_182972.3 (MANE Select); coding-DNA position 912, C replaced by A.
Protein change: p.Thr304=; no amino-acid change (threonine 304 retained).
Molecular consequence: synonymous variant.
Genome position (GRCh38, 1-based): chr1:234,608,583, G>T on the plus strand (C>A on the coding strand, the complement: IRF2BP2 is on the minus strand). VCF-style: chr1-234608583-G-T. GRCh37 (hg19) VCF-style: chr1-234744329-G-T.
Other names: c.912C>A, p.Thr304= (NM_001077397.1); c.912C>A (NM_182972.2).
Identifiers: ClinVar variation 1591987 (VCV001591987.10), dbSNP rs375536261, ClinGen allele CA1461730.
Genomic context (GRCh38, chr1:234,608,583, plus strand): 5'-CTTGCTCTCGAAGGGCCCCGAGTGGCCGTGCTGGTGCAGCGCCAGCAGCGTGTCGCGCAC[G>T]GTCTTGGGCCTGTTGACCCAGTCCTGCTCTCCAGACCCGCGGCTCTTGCCCGCACCTTCC-3'
Protein context (NP_892017.2, residues 294-314): GEQDWVNRPK[Thr304=]VRDTLLALHQ